The following is an entry in ClinVar:

NM_001134363.3(RBM20):c.88C>G (p.Arg30Gly)

Gene: RBM20 (RNA binding motif protein 20; plus strand). Cytogenetic location: 10q25.2.
Variant type: single nucleotide variant.
Coding change: c.88C>G on transcript NM_001134363.3 (MANE Select); coding-DNA position 88, C replaced by G.
Protein change: p.Arg30Gly; replaces arginine 30 with glycine.
Molecular consequence: missense variant.
Genome position (GRCh38, 1-based): chr10:110,644,542, C>G. VCF-style: chr10-110644542-C-G. GRCh37 (hg19) VCF-style: chr10-112404300-C-G.
Other names: short protein forms R30G.
Identifiers: ClinVar variation 1765038 (VCV001765038.2), dbSNP rs1377317350, ClinGen allele CA378527600.

ClinVar aggregate classification (germline): Uncertain significance (1 of 4 stars; one submission).

Conditions:
Cardiovascular phenotype. Identifiers: MedGen CN230736.

Submission:

Ambry Genetics
Classification: Uncertain significance for Cardiovascular phenotype. Last evaluated: 2021-07-22. Review status: criteria provided, single submitter. Criteria: Ambry Variant Classification Scheme 2023. Collection method: clinical testing. Allele origin: germline.
Comment: The p.R30G variant (also known as c.88C>G), located in coding exon 1 of the RBM20 gene, results from a C to G substitution at nucleotide position 88. The arginine at codon 30 is replaced by glycine, an amino acid with dissimilar properties. This amino acid position is conserved. In addition, this alteration is predicted to be tolerated by in silico analysis. Since supporting evidence is limited at this time, the clinical significance of this alteration remains unclear.